The following is an entry in ClinVar:

ClinVar aggregate classification (germline): Uncertain significance. Review status: criteria provided, multiple submitters, no conflicts (2 of 4 stars). 5 submissions from 5 submitters: Uncertain significance (3). 2 of the submissions do not count toward it. Last evaluated 2025-03-17.

Conditions:
Autosomal recessive nonsyndromic hearing loss 2. Also called: DEAFNESS, AUTOSOMAL RECESSIVE 2; NEUROSENSORY NONSYNDROMIC RECESSIVE DEAFNESS 2. Identifiers: Orphanet 90636, MedGen C1838701, MONDO:0010807, OMIM 600060.
Usher syndrome type 1 (USH1). Also called: RETINITIS PIGMENTOSA AND CONGENITAL DEAFNESS. Identifiers: Orphanet 231169, Orphanet 886, MedGen C1568247, MONDO:0010168, OMIM 276900.
Usher syndrome type 1B (USH1B). Also called: Usher syndrome type IB. Identifiers: MedGen C1848638, MONDO:0700087.

Allele frequency attached by ClinVar (database versions not stated): gnomAD 0.00003; gnomAD exomes 0.00003 and 0.00004; ExAC 0.00004; TOPMed 0.00005.
gnomAD v4.1: 63 of 1,613,848 alleles (0.0039%); highest among the groups gnomAD compares: East Asian, 0.022%; no homozygotes.

Submissions (5):

Labcorp Genetics (formerly Invitae), Labcorp
Classification: Uncertain significance. Last evaluated: 2025-03-17. Review status: criteria provided, single submitter. Criteria: Invitae Variant Classification Sherloc (09022015). Collection method: clinical testing. Allele origin: germline.
Comment: This sequence change replaces glutamic acid, which is acidic and polar, with lysine, which is basic and polar, at codon 1641 of the MYO7A protein (p.Glu1641Lys). This variant is present in population databases (rs767975012, gnomAD 0.02%). This missense change has been observed in individual(s) with hearing loss (PMID: 23237960, 33924653). ClinVar contains an entry for this variant (Variation ID: 551961). Invitae Evidence Modeling of protein sequence and biophysical properties (such as structural, functional, and spatial information, amino acid conservation, physicochemical variation, residue mobility, and thermodynamic stability) indicates that this missense variant is not expected to disrupt MYO7A protein function with a negative predictive value of 95%. In summary, the available evidence is currently insufficient to determine the role of this variant in disease. Therefore, it has been classified as a Variant of Uncertain Significance.

Blueprint Genetics
Classification: Uncertain significance. Last evaluated: 2024-08-19. Review status: criteria provided, single submitter. Criteria: ACMG Guidelines, 2015. Collection method: clinical testing. Allele origin: germline.

GeneDx
Classification: Uncertain significance. Last evaluated: 2022-02-22. Review status: criteria provided, single submitter. Criteria: GeneDx Variant Classification Process June 2021. Collection method: clinical testing. Allele origin: germline. Affected: yes.
Comment: Reported in unrelated patients with hearing loss in published literature (Miyagawa et al., 2013; Santos-Cortez et al., 2021); In silico analysis supports that this missense variant has a deleterious effect on protein structure/function; This variant is associated with the following publications: (PMID: 23967202, 23237960, 33924653)

Natera, Inc.
Classification: Uncertain significance for Usher syndrome type 1B. Last evaluated: 2020-02-17. Review status: no assertion criteria provided. Collection method: clinical testing. Allele origin: germline. Not counted in ClinVar's aggregate classification.

Counsyl
Classification: Uncertain significance for Usher syndrome type 1; Autosomal recessive nonsyndromic hearing loss 2. Last evaluated: 2017-05-12. Review status: no assertion criteria provided. Collection method: clinical testing. Allele origin: unknown. Not counted in ClinVar's aggregate classification.

Literature cited by the submitters: PubMed 23237960 (cited by Labcorp Genetics (formerly Invitae), Labcorp and Counsyl); PubMed 33924653 (cited by Labcorp Genetics (formerly Invitae), Labcorp); PubMed 23967202 (cited by Counsyl).

NM_000260.4(MYO7A):c.4921G>A (p.Glu1641Lys)

Gene: MYO7A (myosin VIIA; plus strand). Cytogenetic location: 11q13.5.
Variant type: single nucleotide variant.
Coding change: c.4921G>A on transcript NM_000260.4 (MANE Select); coding-DNA position 4921, G replaced by A.
Protein change: p.Glu1641Lys; replaces glutamic acid 1641 with lysine.
Molecular consequence: missense variant.
Genome position (GRCh38, 1-based): chr11:77,201,516, G>A. VCF-style: chr11-77201516-G-A. GRCh37 (hg19) VCF-style: chr11-76912561-G-A.
Other names: c.4807G>A, p.Glu1603Lys (NM_001127180.2); c.4774G>A, p.Glu1592Lys (NM_001369365.1); short protein forms E1641K, E1592K, E1603K.
Identifiers: ClinVar variation 551961 (VCV000551961.10), dbSNP rs767975012, ClinGen allele CA6198576.